The following is an entry in ClinVar:

NM_001793.6(CDH3):c.1233C>T (p.Thr411=)

Gene: CDH3 (cadherin 3; plus strand). Cytogenetic location: 16q22.1.
Variant type: single nucleotide variant.
Coding change: c.1233C>T on transcript NM_001793.6 (MANE Select); coding-DNA position 1233, C replaced by T.
Protein change: p.Thr411=; no amino-acid change (threonine 411 retained).
Molecular consequence: synonymous variant.
Genome position (GRCh38, 1-based): chr16:68,684,633, C>T. VCF-style: chr16-68684633-C-T. GRCh37 (hg19) VCF-style: chr16-68718536-C-T.
Other names: c.1233C>T, p.Thr411= (NM_001317195.3); c.1068C>T, p.Thr356= (NM_001317196.2).
Identifiers: ClinVar variation 1940268 (VCV001940268.5), dbSNP rs1961347311, ClinGen allele CA496392049.

ClinVar aggregate classification (germline): Uncertain significance (1 of 4 stars; one submission).

Allele frequency attached by ClinVar (database versions not stated): gnomAD exomes below 0.00001.
gnomAD v4.1: 2 of 1,614,054 alleles (0.00012%); highest among the groups gnomAD compares: Admixed American, 0.0017%; no homozygotes.

Submission:

Labcorp Genetics (formerly Invitae), Labcorp
Classification: Uncertain significance. Last evaluated: 2022-07-29. Review status: criteria provided, single submitter. Criteria: Invitae Variant Classification Sherloc (09022015). Collection method: clinical testing. Allele origin: germline.
Comment: In summary, the available evidence is currently insufficient to determine the role of this variant in disease. Therefore, it has been classified as a Variant of Uncertain Significance. Algorithms developed to predict the effect of sequence changes on RNA splicing suggest that this variant may create or strengthen a splice site. This variant has not been reported in the literature in individuals affected with CDH3-related conditions. This variant is not present in population databases (gnomAD no frequency). This sequence change affects codon 411 of the CDH3 mRNA. It is a 'silent' change, meaning that it does not change the encoded amino acid sequence of the CDH3 protein.